The following is an entry in ClinVar:

NM_022552.5(DNMT3A):c.699C>T (p.Pro233=)

Gene: DNMT3A (DNA methyltransferase 3 alpha; minus strand). Cytogenetic location: 2p23.3.
Variant type: single nucleotide variant.
Coding change: c.699C>T on transcript NM_022552.5 (MANE Select); coding-DNA position 699, C replaced by T.
Protein change: p.Pro233=; no amino-acid change (proline 233 retained).
Molecular consequence: synonymous variant. On other transcripts: non-coding transcript variant (1).
Genome position (GRCh38, 1-based): chr2:25,248,193, G>A on the plus strand (C>T on the coding strand, the complement: DNMT3A is on the minus strand). VCF-style: chr2-25248193-G-A. GRCh37 (hg19) VCF-style: chr2-25471062-G-A.
Other names: c.699C>T (NM_022552.3); c.243C>T, p.Pro81= (NM_001320893.1); c.30C>T, p.Pro10= (NM_001375819.1); c.132C>T, p.Pro44= (NM_153759.3); c.699C>T, p.Pro233= (NM_175629.2).
Identifiers: ClinVar variation 2873940 (VCV002873940.6), dbSNP rs766299878, ClinGen allele CA1556328.

ClinVar aggregate classification (germline): Likely benign. Review status: criteria provided, multiple submitters, no conflicts (2 of 4 stars). 3 submissions from 3 submitters: Likely benign (2). 1 of the submissions does not count toward it. Last evaluated 2025-05-15.

Conditions:
Tatton-Brown-Rahman overgrowth syndrome. Also called: Tall stature-intellectual disability-facial dysmorphism syndrome; Tatton-Brown-Rahman syndrome. Identifiers: Orphanet 404443, MedGen C4014545, MONDO:0014382, OMIM 615879.
DNMT3A-related disorder. Also called: DNMT3A-related disorders; DNMT3A-related condition.
Inborn genetic diseases. Identifiers: MedGen C0950123, MeSH D030342.

Allele frequency attached by ClinVar (database versions not stated): gnomAD exomes 0.00001; TOPMed 0.00001; ExAC 0.00002.
gnomAD v4.1: 16 of 1,613,376 alleles (0.00099%); highest among the groups gnomAD compares: South Asian, 0.0066%; no homozygotes.

Submissions (3):

Ambry Genetics
Classification: Likely benign for Inborn genetic diseases. Last evaluated: 2025-05-15. Review status: criteria provided, single submitter. Criteria: Ambry Variant Classification Scheme 2023. Collection method: clinical testing. Allele origin: germline.

Labcorp Genetics (formerly Invitae), Labcorp
Classification: Likely benign for Tatton-Brown-Rahman overgrowth syndrome. Last evaluated: 2023-11-28. Review status: criteria provided, single submitter. Criteria: Invitae Variant Classification Sherloc (09022015). Collection method: clinical testing. Allele origin: germline.

PreventionGenetics, part of Exact Sciences
Classification: Likely benign for DNMT3A-related condition. Last evaluated: 2022-12-28. Review status: no assertion criteria provided. Collection method: clinical testing. Allele origin: germline. Not counted in ClinVar's aggregate classification.
Comment: This variant is classified as likely benign based on ACMG/AMP sequence variant interpretation guidelines (Richards et al. 2015 PMID: 25741868, with internal and published modifications).